The following is an entry in ClinVar:

ClinVar aggregate classification (germline): Uncertain significance (1 of 4 stars; one submission).

Conditions:
Early-infantile DEE. Also called: Ohtahara syndrome; Early infantile epileptic encephalopathy with suppression bursts; Early infantile epileptic encephalopathy. Identifiers: Orphanet 1934, MedGen C0393706, MONDO:0800491.

Submission:

Labcorp Genetics (formerly Invitae), Labcorp
Classification: Uncertain significance for Early-infantile DEE. Last evaluated: 2024-08-27. Review status: criteria provided, single submitter. Criteria: Invitae Variant Classification Sherloc (09022015). Collection method: clinical testing. Allele origin: germline.
Comment: This sequence change replaces glutamic acid, which is acidic and polar, with glutamine, which is neutral and polar, at codon 882 of the HCN1 protein (p.Glu882Gln). This variant is not present in population databases (gnomAD no frequency). This variant has not been reported in the literature in individuals affected with HCN1-related conditions. Invitae Evidence Modeling of protein sequence and biophysical properties (such as structural, functional, and spatial information, amino acid conservation, physicochemical variation, residue mobility, and thermodynamic stability) indicates that this missense variant is not expected to disrupt HCN1 protein function with a negative predictive value of 95%. In summary, the available evidence is currently insufficient to determine the role of this variant in disease. Therefore, it has been classified as a Variant of Uncertain Significance.

NM_021072.4(HCN1):c.2644G>C (p.Glu882Gln)

Gene: HCN1 (hyperpolarization activated cyclic nucleotide gated potassium channel 1; minus strand). Cytogenetic location: 5p12.
Variant type: single nucleotide variant.
Coding change: c.2644G>C on transcript NM_021072.4 (MANE Select); coding-DNA position 2644, G replaced by C.
Protein change: p.Glu882Gln; replaces glutamic acid 882 with glutamine.
Molecular consequence: missense variant.
Genome position (GRCh38, 1-based): chr5:45,261,950, C>G on the plus strand (G>C on the coding strand, the complement: HCN1 is on the minus strand). VCF-style: chr5-45261950-C-G. GRCh37 (hg19) VCF-style: chr5-45262052-C-G.
Other names: short protein forms E882Q.
Identifiers: ClinVar variation 3677779 (VCV003677779.2).